The following is an entry in ClinVar:

NM_001080517.3(SETD5):c.2800C>A (p.Pro934Thr)

Gene: SETD5 (SET domain containing 5; plus strand). Cytogenetic location: 3p25.3.
Variant type: single nucleotide variant.
Coding change: c.2800C>A on transcript NM_001080517.3 (MANE Select); coding-DNA position 2800, C replaced by A.
Protein change: p.Pro934Thr; replaces proline 934 with threonine.
Molecular consequence: missense variant.
Genome position (GRCh38, 1-based): chr3:9,470,534, C>A. VCF-style: chr3-9470534-C-A. GRCh37 (hg19) VCF-style: chr3-9512218-C-A.
Other names: c.2506C>A, p.Pro836Thr (NM_001292043.2, NM_001349451.2); short protein forms P836T, P934T.
Identifiers: ClinVar variation 3623135 (VCV003623135.2).

ClinVar aggregate classification (germline): Uncertain significance (1 of 4 stars; one submission).

Submission:

Labcorp Genetics (formerly Invitae), Labcorp
Classification: Uncertain significance. Last evaluated: 2024-11-03. Review status: criteria provided, single submitter. Criteria: Invitae Variant Classification Sherloc (09022015). Collection method: clinical testing. Allele origin: germline.
Comment: This sequence change replaces proline, which is neutral and non-polar, with threonine, which is neutral and polar, at codon 934 of the SETD5 protein (p.Pro934Thr). This variant is not present in population databases (gnomAD no frequency). This variant has not been reported in the literature in individuals affected with SETD5-related conditions. Invitae Evidence Modeling of protein sequence and biophysical properties (such as structural, functional, and spatial information, amino acid conservation, physicochemical variation, residue mobility, and thermodynamic stability) indicates that this missense variant is not expected to disrupt SETD5 protein function with a negative predictive value of 80%. In summary, the available evidence is currently insufficient to determine the role of this variant in disease. Therefore, it has been classified as a Variant of Uncertain Significance.